The following is an entry in ClinVar:

ClinVar aggregate classification (germline): Uncertain significance (1 of 4 stars; one submission).

Conditions:
Inborn genetic diseases. Identifiers: MedGen C0950123, MeSH D030342.

Submission:

Ambry Genetics
Classification: Uncertain significance for Inborn genetic diseases. Last evaluated: 2025-04-06. Review status: criteria provided, single submitter. Criteria: Ambry Variant Classification Scheme 2023. Collection method: clinical testing. Allele origin: germline.
Comment: The p.Q1044L variant (also known as c.3131A>T), located in coding exon 32 of the FANCA gene, results from an A to T substitution at nucleotide position 3131. The glutamine at codon 1044 is replaced by leucine, an amino acid with dissimilar properties. This amino acid position is conserved. In addition, this alteration is predicted to be tolerated by in silico analysis. Based on the available evidence, the clinical significance of this variant remains unclear.

NM_000135.4(FANCA):c.3131A>T (p.Gln1044Leu)

Gene: FANCA (FA complementation group A; minus strand). Cytogenetic location: 16q24.3.
Variant type: single nucleotide variant.
Coding change: c.3131A>T on transcript NM_000135.4 (MANE Select); coding-DNA position 3131, A replaced by T.
Protein change: p.Gln1044Leu; replaces glutamine 1044 with leucine.
Molecular consequence: missense variant.
Genome position (GRCh38, 1-based): chr16:89,749,838, T>A on the plus strand (A>T on the coding strand, the complement: FANCA is on the minus strand). VCF-style: chr16-89749838-T-A. GRCh37 (hg19) VCF-style: chr16-89816246-T-A.
Other names: c.3131A>T, p.Gln1044Leu (NM_001286167.3); short protein forms Q1044L.
Identifiers: ClinVar variation 4022161 (VCV004022161.1).